The following is an entry in ClinVar:

ClinVar aggregate classification (germline): Benign/Likely benign. Review status: criteria provided, multiple submitters, no conflicts (2 of 4 stars). 3 submissions from 3 submitters: Benign (2); Likely benign (1). Last evaluated 2026-02-01.

Allele frequency attached by ClinVar (database versions not stated): gnomAD exomes 0.00045 and 0.00109; TOPMed 0.00378; gnomAD 0.00380 and 0.00374; 1000 Genomes Project 30x 0.00547; ExAC 0.00128; ESP Exome Variant Server 0.00446; 1000 Genomes Project 0.00519.
gnomAD v4.1: 1,231 of 1,614,164 alleles (0.076%); highest among the groups gnomAD compares: African/African-American, 1.3%; 9 homozygotes.

Submissions (3):

CeGaT Center for Human Genetics Tuebingen
Classification: Likely benign. Last evaluated: 2026-02-01. Review status: criteria provided, single submitter. Criteria: CeGaT Center For Human Genetics Tuebingen Variant Classification Criteria Version 2. Collection method: clinical testing. Allele origin: germline. Affected: yes. Observed: 1 variant allele.
Comment: FBLN1: BP4, BS1

Labcorp Genetics (formerly Invitae), Labcorp
Classification: Benign. Last evaluated: 2023-11-27. Review status: criteria provided, single submitter. Criteria: Invitae Variant Classification Sherloc (09022015). Collection method: clinical testing. Allele origin: germline.

Breakthrough Genomics
Classification: Benign. Review status: criteria provided, single submitter. Criteria: ACMG Guidelines, 2015. Collection method: not provided. Allele origin: germline. Inheritance: Autosomal dominant inheritance. Affected: yes.

NM_006486.3(FBLN1):c.923-7G>A

Gene: FBLN1 (fibulin 1; plus strand). Cytogenetic location: 22q13.31.
Variant type: single nucleotide variant.
Coding change: c.923-7G>A on transcript NM_006486.3 (MANE Select); 7 bases into the intron before coding-DNA position 923, G replaced by A.
Molecular consequence: intron variant.
Genome position (GRCh38, 1-based): chr22:45,541,222, G>A. VCF-style: chr22-45541222-G-A. GRCh37 (hg19) VCF-style: chr22-45937102-G-A.
Other names: c.923-7G>A (NM_006485.4, NM_001996.4, NM_006487.3).
Identifiers: ClinVar variation 784423 (VCV000784423.14), dbSNP rs115123476, ClinGen allele CA10286759.